The following is an entry in ClinVar:

NM_005912.3(MC4R):c.929G>A (p.Arg310Lys)

Gene: MC4R (melanocortin 4 receptor; minus strand). Cytogenetic location: 18q21.32.
Variant type: single nucleotide variant.
Coding change: c.929G>A on transcript NM_005912.3 (MANE Select); coding-DNA position 929, G replaced by A.
Protein change: p.Arg310Lys; replaces arginine 310 with lysine.
Molecular consequence: missense variant.
Genome position (GRCh38, 1-based): chr18:60,371,421, C>T on the plus strand (G>A on the coding strand, the complement: MC4R is on the minus strand). VCF-style: chr18-60371421-C-T. GRCh37 (hg19) VCF-style: chr18-58038654-C-T.
Other names: short protein forms R310K.
Identifiers: ClinVar variation 890917 (VCV000890917.4), dbSNP rs1429906794, ClinGen allele CA402718781.

ClinVar aggregate classification (germline): Uncertain significance (1 of 4 stars; one submission).

Conditions:
Obesity. Also called: Obesity disorder. Identifiers: Orphanet 71529, MedGen C0028754, MeSH D009765, MONDO:0011122, HP:0001513.

Allele frequency attached by ClinVar (database versions not stated): gnomAD 0.00001.

Submission:

Illumina Laboratory Services, Illumina
Classification: Uncertain significance for Inherited obesity. Last evaluated: 2017-04-28. Review status: criteria provided, single submitter. Criteria: ICSL Variant Classification Criteria 13 December 2019. Collection method: clinical testing. Allele origin: germline.
Comment: This variant was observed as part of a predisposition screen in an ostensibly healthy population. A literature search was performed for the gene, cDNA change, and amino acid change (where applicable). Publications were found based on this search. However, the evidence from the literature, in combination with allele frequency data from public databases where available, was not sufficient to rule this variant in or out of causing disease. Therefore, this variant is classified as a variant of unknown significance.

Literature cited by the submitters: PubMed 17185898.